The following is an entry in ClinVar:

NM_001160372.4(TRAPPC9):c.3363C>T (p.His1121=)

Gene: TRAPPC9 (trafficking protein particle complex subunit 9; minus strand). Cytogenetic location: 8q24.3.
Variant type: single nucleotide variant.
Coding change: c.3363C>T on transcript NM_001160372.4 (MANE Select); coding-DNA position 3363, C replaced by T.
Protein change: p.His1121=; no amino-acid change (histidine 1121 retained).
Molecular consequence: synonymous variant. On other transcripts: non-coding transcript variant (1).
Genome position (GRCh38, 1-based): chr8:139,731,145, G>A on the plus strand (C>T on the coding strand, the complement: TRAPPC9 is on the minus strand). VCF-style: chr8-139731145-G-A. GRCh37 (hg19) VCF-style: chr8-140743388-G-A.
Other names: c.3336C>T, p.His1112= (NM_001321646.2); c.3384C>T, p.His1128= (NM_001374682.1); c.3252C>T, p.His1084= (NM_001374683.1); c.3219C>T, p.His1073= (NM_001374684.1); c.3363C>T, p.His1121= (NM_031466.8).
Identifiers: ClinVar variation 1627364 (VCV001627364.14), dbSNP rs149676709, ClinGen allele CA4892716.

ClinVar aggregate classification (germline): Likely benign. Review status: criteria provided, multiple submitters, no conflicts (2 of 4 stars). 2 submissions from 2 submitters: Likely benign (2). Last evaluated 2025-10-01.

Allele frequency attached by ClinVar (database versions not stated): gnomAD 0.00001; gnomAD exomes 0.00002 and 0.00005; TOPMed 0.00004; ExAC 0.00005; ESP Exome Variant Server 0.00023.
gnomAD v4.1: 27 of 1,613,894 alleles (0.0017%); highest among the groups gnomAD compares: Middle Eastern, 0.033%; no homozygotes.

Submissions (2):

CeGaT Center for Human Genetics Tuebingen
Classification: Likely benign. Last evaluated: 2025-10-01. Review status: criteria provided, single submitter. Criteria: CeGaT Center For Human Genetics Tuebingen Variant Classification Criteria Version 2. Collection method: clinical testing. Allele origin: germline. Affected: yes. Observed: 1 variant allele.
Comment: TRAPPC9: BP4, BP7

Labcorp Genetics (formerly Invitae), Labcorp
Classification: Likely benign. Last evaluated: 2023-09-01. Review status: criteria provided, single submitter. Criteria: Invitae Variant Classification Sherloc (09022015). Collection method: clinical testing. Allele origin: germline.